The following is an entry in ClinVar:

NM_153614.4(DNAJB13):c.374T>G (p.Phe125Cys)

Gene: DNAJB13 (DnaJ heat shock protein family (Hsp40) member B13; plus strand). Cytogenetic location: 11q13.4.
Variant type: single nucleotide variant.
Coding change: c.374T>G on transcript NM_153614.4 (MANE Select); coding-DNA position 374, T replaced by G.
Protein change: p.Phe125Cys; replaces phenylalanine 125 with cysteine.
Molecular consequence: missense variant.
Genome position (GRCh38, 1-based): chr11:73,964,917, T>G. VCF-style: chr11-73964917-T-G. GRCh37 (hg19) VCF-style: chr11-73675962-T-G.
Other names: p.Phe125Cys; c.200T>G, p.Phe67Cys (NM_001377263.1); short protein forms F125C, F67C.
Identifiers: ClinVar variation 711073 (VCV000711073.15), dbSNP rs139317756, ClinGen allele CA6180746.

ClinVar aggregate classification (germline): Conflicting classifications of pathogenicity. Review status: criteria provided, conflicting classifications (1 of 4 stars). 5 submissions from 5 submitters: Uncertain significance (1); Likely benign (3). 1 of the submissions does not count toward it. Last evaluated 2026-01-27.

Conditions:
Primary ciliary dyskinesia 34. Also called: CILIARY DYSKINESIA, PRIMARY, 34, WITHOUT SITUS INVERSUS. Identifiers: Orphanet 244, MedGen C4310722, MONDO:0014909, OMIM 617091.
DNAJB13-related disorder. Also called: DNAJB13-related condition.

Allele frequency attached by ClinVar (database versions not stated): 1000 Genomes Project 30x 0.00016; 1000 Genomes Project 0.00020; TOPMed 0.00158; gnomAD 0.00170 and 0.00181; gnomAD exomes 0.00203; ESP Exome Variant Server 0.00216; ExAC 0.00244.

Submissions (5):

Labcorp Genetics (formerly Invitae), Labcorp
Classification: Likely benign. Last evaluated: 2026-01-27. Review status: criteria provided, single submitter. Criteria: Invitae Variant Classification Sherloc (09022015). Collection method: clinical testing. Allele origin: germline.

Mayo Clinic Laboratories, Mayo Clinic
Classification: Likely benign. Last evaluated: 2025-11-30. Review status: criteria provided, single submitter. Criteria: ACMG Guidelines, 2015. Collection method: clinical testing. Allele origin: germline. Observed: 2 variant alleles.
Comment: BS1, BS2_supporting

GeneDx
Classification: Uncertain significance. Last evaluated: 2025-05-22. Review status: criteria provided, single submitter. Criteria: GeneDx Variant Classification Process June 2021. Collection method: clinical testing. Allele origin: germline. Affected: yes.
Comment: Has not been previously published as pathogenic or benign to our knowledge; In silico analysis supports that this missense variant has a deleterious effect on protein structure/function

Johns Hopkins Genomics, Johns Hopkins University
Classification: Likely benign for Primary ciliary dyskinesia 34. Last evaluated: 2022-08-31. Review status: criteria provided, single submitter. Criteria: ACMG Guidelines, 2015. Collection method: clinical testing. Allele origin: germline.

PreventionGenetics, part of Exact Sciences
Classification: Likely benign for DNAJB13-related condition. Last evaluated: 2021-09-13. Review status: no assertion criteria provided. Collection method: clinical testing. Allele origin: germline. Not counted in ClinVar's aggregate classification.
Comment: This variant is classified as likely benign based on ACMG/AMP sequence variant interpretation guidelines (Richards et al. 2015 PMID: 25741868, with internal and published modifications).